The following is an entry in ClinVar:

ClinVar aggregate classification (germline): Uncertain significance. Review status: criteria provided, multiple submitters, no conflicts (2 of 4 stars). 4 submissions from 4 submitters: Uncertain significance (4). Last evaluated 2024-09-18.

Conditions:
Autosomal recessive limb-girdle muscular dystrophy type 2C (LGMDR5). Also called: MUSCULAR DYSTROPHY, LIMB-GIRDLE, AUTOSOMAL RECESSIVE 5; MUSCULAR DYSTROPHY, DUCHENNE-LIKE. Identifiers: Orphanet 353, MedGen C0410173, MONDO:0009677, OMIM 253700. Disease mechanism: Affects gamma-sarcoglycan and also disrupts the integrity of the entire sarcoglycan complex..

Allele frequency attached by ClinVar (database versions not stated): gnomAD 0.00001; gnomAD exomes 0.00001; TOPMed 0.00002.
gnomAD v4.1: 11 of 1,608,806 alleles (0.00068%); highest among the groups gnomAD compares: Admixed American, 0.0084%; no homozygotes.

Submissions (4):

Blueprint Genetics
Classification: Uncertain significance. Last evaluated: 2024-09-18. Review status: criteria provided, single submitter. Criteria: ACMG Guidelines, 2015. Collection method: clinical testing. Allele origin: germline.

Labcorp Genetics (formerly Invitae), Labcorp
Classification: Uncertain significance for Autosomal recessive limb-girdle muscular dystrophy type 2C. Last evaluated: 2022-07-19. Review status: criteria provided, single submitter. Criteria: Invitae Variant Classification Sherloc (09022015). Collection method: clinical testing. Allele origin: germline.
Comment: This sequence change replaces histidine, which is basic and polar, with arginine, which is basic and polar, at codon 210 of the SGCG protein (p.His210Arg). The frequency data for this variant in the population databases is considered unreliable, as metrics indicate poor data quality at this position in the gnomAD database. This missense change has been observed in individual(s) with limb-girdle muscular dystrophy (PMID: 31268554). ClinVar contains an entry for this variant (Variation ID: 501292). Algorithms developed to predict the effect of missense changes on protein structure and function output the following: SIFT: "Deleterious"; PolyPhen-2: "Benign"; Align-GVGD: "Class C0". The arginine amino acid residue is found in multiple mammalian species, which suggests that this missense change does not adversely affect protein function. In summary, the available evidence is currently insufficient to determine the role of this variant in disease. Therefore, it has been classified as a Variant of Uncertain Significance.

Fulgent Genetics
Classification: Uncertain significance for Autosomal recessive limb-girdle muscular dystrophy type 2C. Last evaluated: 2021-10-04. Review status: criteria provided, single submitter. Criteria: ACMG Guidelines, 2015. Collection method: clinical testing. Allele origin: unknown.

Eurofins Ntd Llc (ga)
Classification: Uncertain significance. Last evaluated: 2017-06-20. Review status: criteria provided, single submitter. Criteria: EGL Classification Definitions 2015. Collection method: clinical testing. Allele origin: germline. Observed: 2 variant alleles, 1 heterozygote, 1 homozygote.

Literature cited by the submitters: PubMed 31268554 (cited by Labcorp Genetics (formerly Invitae), Labcorp).

NM_000231.3(SGCG):c.629A>G (p.His210Arg)

Gene: SGCG (sarcoglycan gamma; plus strand). Cytogenetic location: 13q12.12.
Variant type: single nucleotide variant.
Coding change: c.629A>G on transcript NM_000231.3 (MANE Select); coding-DNA position 629, A replaced by G.
Protein change: p.His210Arg; replaces histidine 210 with arginine.
Molecular consequence: missense variant.
Genome position (GRCh38, 1-based): chr13:23,320,687, A>G. VCF-style: chr13-23320687-A-G. GRCh37 (hg19) VCF-style: chr13-23894826-A-G.
Other names: c.683A>G, p.His228Arg (NM_001378244.1); c.629A>G, p.His210Arg (NM_001378245.1, NM_001378246.1); short protein forms H210R, H228R.
Identifiers: ClinVar variation 501292 (VCV000501292.8), dbSNP rs1045567625, ClinGen allele CA246639013.